The following is an entry in ClinVar:

NM_016734.3(PAX5):c.695A>C (p.Gln232Pro)

Gene: PAX5 (paired box 5; minus strand). Cytogenetic location: 9p13.2.
Variant type: single nucleotide variant.
Coding change: c.695A>C on transcript NM_016734.3 (MANE Select); coding-DNA position 695, A replaced by C.
Protein change: p.Gln232Pro; replaces glutamine 232 with proline.
Molecular consequence: missense variant. On other transcripts: non-coding transcript variant (2).
Genome position (GRCh38, 1-based): chr9:36,966,634, T>G on the plus strand (A>C on the coding strand, the complement: PAX5 is on the minus strand). VCF-style: chr9-36966634-T-G. GRCh37 (hg19) VCF-style: chr9-36966631-T-G.
Other names: c.695A>C, p.Gln232Pro (NM_001280547.2, NM_001280548.2, NM_001280549.2 and 2 more transcripts); c.371A>C, p.Gln124Pro (NM_001280551.2, NM_001280556.2); c.566A>C, p.Gln189Pro (NM_001280553.2, NM_001280554.2); c.497A>C, p.Gln166Pro (NM_001280555.2); short protein forms Q124P, Q166P, Q189P, Q232P.
Identifiers: ClinVar variation 4827568 (VCV004827568.1).

ClinVar aggregate classification (germline): Uncertain significance (1 of 4 stars; one submission).

Conditions:
Inborn genetic diseases. Identifiers: MedGen C0950123, MeSH D030342.

Submission:

Ambry Genetics
Classification: Uncertain significance for Inborn genetic diseases. Last evaluated: 2026-02-28. Review status: criteria provided, single submitter. Criteria: Ambry Variant Classification Scheme 2023. Collection method: clinical testing. Allele origin: germline.
Comment: The p.Q232P variant (also known as c.695A>C), located in coding exon 6 of the PAX5 gene, results from an A to C substitution at nucleotide position 695. The glutamine at codon 232 is replaced by proline, an amino acid with similar properties. This amino acid position is conserved. In addition, this alteration is predicted to be deleterious by in silico analysis. Based on the available evidence, the clinical significance of this variant remains unclear.